The following is an entry in ClinVar:

ClinVar aggregate classification (germline): Conflicting classifications of pathogenicity. Review status: criteria provided, conflicting classifications (1 of 4 stars). 6 submissions from 6 submitters: Likely pathogenic (3); Uncertain significance (2). 1 of the submissions does not count toward it. Last evaluated 2025-11-10.

Conditions:
Combined oxidative phosphorylation deficiency 34 (COXPD34). Also called: Syndromic sensorineural deafness due to combined oxidative phosphorylation defect. Identifiers: Orphanet 457223, MedGen C4693450, MONDO:0054741, OMIM 617872.

Allele frequency attached by ClinVar (database versions not stated): 1000 Genomes Project 30x 0.00031; 1000 Genomes Project 0.00040; gnomAD 0.00064 and 0.00067; gnomAD exomes 0.00078 and 0.00109; TOPMed 0.00078; ExAC 0.00081; ESP Exome Variant Server 0.00108.

Submissions (6):

Labcorp Genetics (formerly Invitae), Labcorp
Classification: Uncertain significance. Last evaluated: 2025-11-10. Review status: criteria provided, single submitter. Criteria: Invitae Variant Classification Sherloc (09022015). Collection method: clinical testing. Allele origin: germline.
Comment: This sequence change replaces methionine, which is neutral and non-polar, with valine, which is neutral and non-polar, at codon 184 of the MRPS7 protein (p.Met184Val). This variant is present in population databases (rs115047866, gnomAD 0.1%), and has an allele count higher than expected for a pathogenic variant. This missense change has been observed in individual(s) with congenital sensorineural deafness and significant hepatic and renal impairment (PMID: 25556185). It has also been observed to segregate with disease in related individuals. ClinVar contains an entry for this variant (Variation ID: 489402). Invitae Evidence Modeling of protein sequence and biophysical properties (such as structural, functional, and spatial information, amino acid conservation, physicochemical variation, residue mobility, and thermodynamic stability) has been performed for this missense variant. However, the output from this modeling did not meet the statistical confidence thresholds required to predict the impact of this variant on MRPS7 protein function. Studies have shown that this missense change alters MRPS7 gene expression (PMID: 25556185). In summary, the available evidence is currently insufficient to determine the role of this variant in disease. Therefore, it has been classified as a Variant of Uncertain Significance.

Baylor Genetics
Classification: Likely pathogenic for Combined oxidative phosphorylation deficiency 34. Last evaluated: 2024-03-12. Review status: criteria provided, single submitter. Criteria: ACMG Guidelines, 2015. Collection method: clinical testing. Allele origin: unknown.

Fulgent Genetics
Classification: Uncertain significance for Combined oxidative phosphorylation deficiency 34. Last evaluated: 2023-12-22. Review status: criteria provided, single submitter. Criteria: ACMG Guidelines, 2015. Collection method: clinical testing. Allele origin: germline.

Laboratorio de Genetica e Diagnostico Molecular, Hospital Israelita Albert Einstein
Classification: Likely pathogenic. Last evaluated: 2020-04-02. Review status: criteria provided, single submitter. Criteria: ACMG Guidelines, 2015. Collection method: clinical testing. Allele origin: germline. Affected: yes.
Comment: ACMG classification criteria: PS3, PS4, PM2, PM3, PP1

SIB Swiss Institute of Bioinformatics
Classification: Likely pathogenic for Combined oxidative phosphorylation deficiency 34. Last evaluated: 2018-04-16. Review status: criteria provided, single submitter. Criteria: ACMG Guidelines, 2015. Collection method: curation. Allele origin: germline.
Comment: This variant is interpreted as a Likely Pathogenic, for Combined oxidative phosphorylation deficiency 34, Autosomal Recessive inheritance. The following ACMG Tag(s) were applied: PM2 => Absent from controls (or at extremely low frequency if recessive) in Exome Sequencing Project, 1000 Genomes Project, or Exome Aggregation Consortium. PP3 => Multiple lines of computational evidence support a deleterious effect on the gene or gene product. PS3 => Well-established functional studies show a deleterious effect (PMID:25556185). PP1 => Cosegregation with disease in multiple affected family members in a gene definitively known to cause the disease (PMID:25556185).

OMIM
Classification: Pathogenic for COMBINED OXIDATIVE PHOSPHORYLATION DEFICIENCY 34 (1 family). Last evaluated: 2018-02-12. Review status: no assertion criteria provided. Collection method: literature only. Allele origin: germline. Not counted in ClinVar's aggregate classification.

Literature cited by the submitters: PubMed 25556185 (cited by 3 submitters); PubMed 9063420 (cited by OMIM).

NM_015971.4(MRPS7):c.550A>G (p.Met184Val)

Gene: MRPS7 (mitochondrial ribosomal protein S7; plus strand). Cytogenetic location: 17q25.1.
Variant type: single nucleotide variant.
Coding change: c.550A>G on transcript NM_015971.4 (MANE Select); coding-DNA position 550, A replaced by G.
Protein change: p.Met184Val; replaces methionine 184 with valine.
Molecular consequence: missense variant.
Genome position (GRCh38, 1-based): chr17:75,265,744, A>G. VCF-style: chr17-75265744-A-G. GRCh37 (hg19) VCF-style: chr17-73261825-A-G.
Other names: NM_015971.3:c.550A>G(p.Met184Val); short protein forms M184V.
Identifiers: ClinVar variation 489402 (VCV000489402.13), dbSNP rs115047866, ClinGen allele CA8760444.